The following is an entry in ClinVar:

ClinVar aggregate classification (germline): Uncertain significance (1 of 4 stars; one submission).

Submission:

Ambry Genetics
Classification: Uncertain significance. Last evaluated: 2024-01-20. Review status: criteria provided, single submitter. Criteria: Ambry Variant Classification Scheme 2023. Collection method: clinical testing. Allele origin: germline.
Comment: The p.N587D variant (also known as c.1759A>G), located in coding exon 16 of the BUB1 gene, results from an A to G substitution at nucleotide position 1759. The asparagine at codon 587 is replaced by aspartic acid, an amino acid with highly similar properties. This amino acid position is conserved. In addition, this alteration is predicted to be tolerated by in silico analysis. Based on the available evidence, the clinical significance of this alteration remains unclear.

NM_004336.5(BUB1):c.1759A>G (p.Asn587Asp)

Gene: BUB1 (BUB1 mitotic checkpoint serine/threonine kinase; minus strand). Cytogenetic location: 2q13.
Variant type: single nucleotide variant.
Coding change: c.1759A>G on transcript NM_004336.5 (MANE Select); coding-DNA position 1759, A replaced by G.
Protein change: p.Asn587Asp; replaces asparagine 587 with aspartic acid.
Molecular consequence: missense variant.
Genome position (GRCh38, 1-based): chr2:110,655,856, T>C on the plus strand (A>G on the coding strand, the complement: BUB1 is on the minus strand). VCF-style: chr2-110655856-T-C. GRCh37 (hg19) VCF-style: chr2-111413433-T-C.
Other names: c.1699A>G, p.Asn567Asp (NM_001278616.2); c.1759A>G, p.Asn587Asp (NM_001278617.2); short protein forms N567D, N587D.
Identifiers: ClinVar variation 3224016 (VCV003224016.1), dbSNP rs2468002054, ClinGen allele CA348210887.